The following is an entry in ClinVar:

ClinVar aggregate classification (germline): Likely pathogenic. Review status: criteria provided, single submitter (1 of 4 stars). 3 submissions from 3 submitters: Likely pathogenic (1). 2 of the submissions do not count toward it. Last evaluated 2023-01-22.

Conditions:
Junctional epidermolysis bullosa gravis of Herlitz. Also called: Epidermolysis Bullosa Letalis; Herlitz-type junctional epidermolysis bullosa; EPIDERMOLYSIS BULLOSA, JUNCTIONAL 1B, SEVERE; EPIDERMOLYSIS BULLOSA JUNCTIONALIS, HERLITZ TYPE; EPIDERMOLYSIS BULLOSA, JUNCTIONAL, HERLITZ-PEARSON TYPE; JEB-HERLITZ TYPE. Identifiers: Orphanet 79404, MedGen C0079683, MONDO:0009182, OMIM 226700.
LAMC2-related disorder. Also called: LAMC2-related condition.

Allele frequency attached by ClinVar (database versions not stated): gnomAD 0.00001 and 0.00002; gnomAD exomes 0.00001 and 0.00002; TOPMed 0.00001; ExAC 0.00002.
gnomAD v4.1: 19 of 1,570,306 alleles (0.0012%); highest among the groups gnomAD compares: Non-Finnish European, 0.0016%; no homozygotes.

Submissions (3):

Labcorp Genetics (formerly Invitae), Labcorp
Classification: Likely pathogenic. Last evaluated: 2023-01-22. Review status: criteria provided, single submitter. Criteria: Invitae Variant Classification Sherloc (09022015). Collection method: clinical testing. Allele origin: germline.
Comment: This variant has not been reported in the literature in individuals affected with LAMC2-related conditions. This variant is present in population databases (rs771613805, gnomAD 0.004%). This sequence change affects an acceptor splice site in intron 1 of the LAMC2 gene. It is expected to disrupt RNA splicing. Variants that disrupt the donor or acceptor splice site typically lead to a loss of protein function (PMID: 16199547), and loss-of-function variants in LAMC2 are known to be pathogenic (PMID: 11907499, 16473856). ClinVar contains an entry for this variant (Variation ID: 371173). In summary, the currently available evidence indicates that the variant is pathogenic, but additional data are needed to prove that conclusively. Therefore, this variant has been classified as Likely Pathogenic. Algorithms developed to predict the effect of sequence changes on RNA splicing suggest that this variant may disrupt the consensus splice site.

PreventionGenetics, part of Exact Sciences
Classification: Likely pathogenic for LAMC2-related condition. Last evaluated: 2024-01-18. Review status: no assertion criteria provided. Collection method: clinical testing. Allele origin: germline. Not counted in ClinVar's aggregate classification.
Comment: The LAMC2 c.80-2A>G variant is predicted to disrupt the AG splice acceptor site and interfere with normal splicing. To our knowledge this variant has not been reported in the literature to date. This variant is reported in 0.0036% of alleles in individuals of European (Non-Finnish) descent in gnomAD. Variants that disrupt the consensus splice acceptor site in LAMC2 are expected to be pathogenic. This variant is interpreted as likely pathogenic.

Counsyl
Classification: Likely pathogenic for Junctional epidermolysis bullosa gravis of Herlitz. Last evaluated: 2016-07-19. Review status: no assertion criteria provided. Collection method: clinical testing. Allele origin: unknown. Not counted in ClinVar's aggregate classification.

Literature cited by the submitters: PubMed 16199547 (cited by Labcorp Genetics (formerly Invitae), Labcorp); PubMed 11907499 (cited by Labcorp Genetics (formerly Invitae), Labcorp); PubMed 16473856 (cited by Labcorp Genetics (formerly Invitae), Labcorp).

NM_005562.3(LAMC2):c.80-2A>G

Gene: LAMC2 (laminin subunit gamma 2; plus strand). Cytogenetic location: 1q25.3.
Variant type: single nucleotide variant.
Coding change: c.80-2A>G on transcript NM_005562.3 (MANE Select); the canonical splice acceptor site of the intron before coding-DNA position 80, A replaced by G.
Molecular consequence: splice acceptor variant.
Genome position (GRCh38, 1-based): chr1:183,207,879, A>G. VCF-style: chr1-183207879-A-G. GRCh37 (hg19) VCF-style: chr1-183177014-A-G.
Other names: c.80-2A>G (NM_018891.3).
Identifiers: ClinVar variation 371173 (VCV000371173.13), dbSNP rs771613805, ClinGen allele CA1282237.